The following is an entry in ClinVar:

ClinVar aggregate classification (germline): Pathogenic (1 of 4 stars; one submission).

Conditions:
Ornithine aminotransferase deficiency (GACR). Also called: HYPERORNITHINEMIA WITH GYRATE ATROPHY OF CHOROID AND RETINA; OAT DEFICIENCY; OKT DEFICIENCY; Ornithine ketoacid aminotransferase deficiency; Gyrate atrophy; Gyrate atrophy of choroid and retina. Identifiers: Orphanet 414, MedGen C0018425, MONDO:0009796, OMIM 258870.

Submission:

Myriad Genetics, Inc.
Classification: Pathogenic for Ornithine aminotransferase deficiency. Last evaluated: 2024-03-27. Review status: criteria provided, single submitter. Criteria: Myriad Autosomal Dominant, Autosomal Recessive and X-Linked Classification Criteria (2023). Collection method: clinical testing. Allele origin: unknown.
Comment: NM_000274.3(OAT):c.841G>T(E281*) is expected to be pathogenic in the context of ornithine aminotransferase deficiency. This variant is predicted to lead to an abnormal or absent protein product due to the creation of a premature termination codon in OAT, a gene where loss-of-function variants are known to be pathogenic. Please note: this variant was assessed in the context of healthy population screening.

NM_000274.4(OAT):c.841G>T (p.Glu281Ter)

Gene: OAT (ornithine aminotransferase; minus strand). Cytogenetic location: 10q26.13.
Variant type: single nucleotide variant.
Coding change: c.841G>T on transcript NM_000274.4 (MANE Select); coding-DNA position 841, G replaced by T.
Protein change: p.Glu281Ter; replaces glutamic acid 281 with a stop codon.
Molecular consequence: nonsense.
Genome position (GRCh38, 1-based): chr10:124,402,986, C>A on the plus strand (G>T on the coding strand, the complement: OAT is on the minus strand). VCF-style: chr10-124402986-C-A. GRCh37 (hg19) VCF-style: chr10-126091555-C-A.
Other names: c.427G>T, p.Glu143Ter (NM_001171814.2); c.841G>T, p.Glu281Ter (NM_001322965.2, NM_001322966.2, NM_001322967.2 and 3 more transcripts); c.520G>T, p.Glu174Ter (NM_001322971.2); c.241G>T, p.Glu81Ter (NM_001322974.2); short protein forms E143*, E174*, E281*, E81*.
Identifiers: ClinVar variation 5012867 (VCV005012867.1).
Genomic context (GRCh38, chr10:124,402,986, plus strand): 5'-CAGGGTATAAGCCCCCAGAAAGGGCCTTTCCAAGGAGGACTATATCAGGTCTGACATTTT[C>A]ATAATCAACAGCCAGCCATCTACCAGTTCTGGCCAATCCTGTCTGTATTTCATCAGCAAT-3'